The following is an entry in ClinVar:

NM_207122.2(EXT2):c.-61C>G

Genes: EXT2 (exostosin glycosyltransferase 2; plus strand), LOC130005598 (ATAC-STARR-seq lymphoblastoid silent region 3272; plus strand). Cytogenetic location: 11p11.2.
Variant type: single nucleotide variant.
Coding change: c.-61C>G on transcript NM_207122.2 (MANE Select); 61 bases upstream of the start codon, C replaced by G.
Molecular consequence: 5 prime UTR variant.
Genome position (GRCh38, 1-based): chr11:44,095,822, C>G. VCF-style: chr11-44095822-C-G. GRCh37 (hg19) VCF-style: chr11-44117372-C-G.
Other names: c.-61C>G (NM_001178083.3); c.-100C>G (NM_001389630.1).
Identifiers: ClinVar variation 304568 (VCV000304568.6), dbSNP rs12800404, ClinGen allele CA10630860.
Genomic context (GRCh38, chr11:44,095,822, plus strand): 5'-GACCGATCCGACCTGGGCGGAGGTGGCCCGCGCCCCGCGGCATGAGCCGGTGACCAAGCT[C>G]GGGGCCGAGCGGGAGGCAGCCGTGGCCGAGGTAAGCGCGGCTCTCCAGGGCGGCGGCCGG-3'

ClinVar aggregate classification (germline): Benign. Review status: criteria provided, multiple submitters, no conflicts (2 of 4 stars). 2 submissions from 2 submitters: Benign (2). Last evaluated 2018-01-13.

Conditions:
Exostoses, multiple, type 2 (EXT2). Also called: Hereditary Multiple Osteochondromatosis, Type II; EXOSTOSES, MULTIPLE, TYPE II. Identifiers: Orphanet 321, MedGen C1851413, MONDO:0007586, OMIM 133701.

Allele frequency attached by ClinVar (database versions not stated): 1000 Genomes Project 0.01977; 1000 Genomes Project 30x 0.02217; TOPMed 0.04556; gnomAD exomes 0.06428.
gnomAD v4.1: 8,403 of 166,824 alleles (5%); highest among the groups gnomAD compares: Non-Finnish European, 7.8%; 329 homozygotes.

Submissions (2):

Illumina Laboratory Services, Illumina
Classification: Benign for Exostoses, multiple, type 2. Last evaluated: 2018-01-13. Review status: criteria provided, single submitter. Criteria: ICSL Variant Classification Criteria 13 December 2019. Collection method: clinical testing. Allele origin: germline.
Comment: This variant was observed in the ICSL laboratory as part of a predisposition screen in an ostensibly healthy population. It had not been previously curated by ICSL or reported in the Human Gene Mutation Database (HGMD: prior to June 1st, 2018), and was therefore a candidate for classification through an automated scoring system. Utilizing variant allele frequency, disease prevalence and penetrance estimates, and inheritance mode, an automated score was calculated to assess if this variant is too frequent to cause the disease. Based on the score and internal cut-off values, a variant classified as benign is not then subjected to further curation. The score for this variant resulted in a classification of benign for this disease.

Breakthrough Genomics
Classification: Benign. Review status: criteria provided, single submitter. Criteria: ACMG Guidelines, 2015. Collection method: not provided. Allele origin: germline. Inheritance: Autosomal recessive inheritance. Affected: yes.